The following is an entry in ClinVar:

NM_001079668.3(NKX2-1):c.255G>C (p.Gln85His)

Genes: NKX2-1 (NK2 homeobox 1; minus strand), SFTA3 (surfactant associated 3; minus strand). Cytogenetic location: 14q13.3.
Variant type: single nucleotide variant.
Coding change: c.255G>C on transcript NM_001079668.3 (MANE Select); coding-DNA position 255, G replaced by C.
Protein change: p.Gln85His; replaces glutamine 85 with histidine.
Molecular consequence: missense variant.
Genome position (GRCh38, 1-based): chr14:36,519,193, C>G on the plus strand (G>C on the coding strand, the complement: NKX2-1 is on the minus strand). VCF-style: chr14-36519193-C-G. GRCh37 (hg19) VCF-style: chr14-36988398-C-G.
Other names: c.165G>C, p.Gln55His (NM_003317.4); short protein forms Q85H, Q55H.
Identifiers: ClinVar variation 2560536 (VCV002560536.4), dbSNP rs1234556444, ClinGen allele CA389461080.

ClinVar aggregate classification (germline): Uncertain significance. Review status: criteria provided, multiple submitters, no conflicts (2 of 4 stars). 2 submissions from 2 submitters: Uncertain significance (2). Last evaluated 2024-07-02.

Conditions:
Inborn genetic diseases. Identifiers: MedGen C0950123, MeSH D030342.

Allele frequency attached by ClinVar (database versions not stated): gnomAD exomes 0.00001.

Submissions (2):

Labcorp Genetics (formerly Invitae), Labcorp
Classification: Uncertain significance. Last evaluated: 2024-07-02. Review status: criteria provided, single submitter. Criteria: Invitae Variant Classification Sherloc (09022015). Collection method: clinical testing. Allele origin: germline.
Comment: This sequence change replaces glutamine, which is neutral and polar, with histidine, which is basic and polar, at codon 85 of the NKX2-1 protein (p.Gln85His). This variant is present in population databases (no rsID available, gnomAD 0.007%). This variant has not been reported in the literature in individuals affected with NKX2-1-related conditions. ClinVar contains an entry for this variant (Variation ID: 2560536). An algorithm developed to predict the effect of missense changes on protein structure and function (PolyPhen-2) suggests that this variant is likely to be disruptive. In summary, the available evidence is currently insufficient to determine the role of this variant in disease. Therefore, it has been classified as a Variant of Uncertain Significance.

Ambry Genetics
Classification: Uncertain significance for Inborn genetic diseases. Last evaluated: 2023-06-07. Review status: criteria provided, single submitter. Criteria: Ambry Variant Classification Scheme 2023. Collection method: clinical testing. Allele origin: germline.